The following is an entry in ClinVar:

ClinVar aggregate classification (germline): Pathogenic (1 of 4 stars; one submission).

Conditions:
Congenital disorder of glycosylation, type Iaa. Also called: Congenital disorder of glycosylation, type 1aa. Identifiers: MedGen C4310727, MONDO:0014904, OMIM 617082.

Submission:

Labcorp Genetics (formerly Invitae), Labcorp
Classification: Pathogenic for Congenital disorder of glycosylation, type Iaa. Last evaluated: 2025-12-29. Review status: criteria provided, single submitter. Criteria: Invitae Variant Classification Sherloc (09022015). Collection method: clinical testing. Allele origin: germline.
Comment: This sequence change creates a premature translational stop signal (p.Thr55Hisfs*79) in the NUS1 gene. It is expected to result in an absent or disrupted protein product. Loss-of-function variants in NUS1 are known to be pathogenic (PMID: 29100083). This variant is not present in population databases (gnomAD no frequency). This variant has not been reported in the literature in individuals affected with NUS1-related conditions. For these reasons, this variant has been classified as Pathogenic.

Literature cited by the submitters: PubMed 29100083.

NM_138459.5(NUS1):c.161dup (p.Thr55fs)

Gene: NUS1 (NUS1 dehydrodolichyl diphosphate synthase subunit; plus strand). Cytogenetic location: 6q22.1.
Variant type: Duplication.
Coding change: c.161dup on transcript NM_138459.5 (MANE Select); coding-DNA position 161, one base duplicated (T; older notation c.161dupT).
Protein change: p.Thr55fs; shifts the reading frame from threonine 55.
Molecular consequence: frameshift variant.
Genome position (GRCh38, 1-based): chr6:117,675,831, T duplicated; the last of 2 consecutive T bases (chr6:117,675,830-117,675,831); duplicating either gives the same sequence. VCF-style (leftmost placement, unchanged base first): chr6-117675829-C-CT. GRCh37 (hg19) VCF-style: chr6-117996992-C-CT.
Other names: short protein forms T55fs.
Identifiers: ClinVar variation 4734351 (VCV004734351.1).